The following is an entry in ClinVar:

ClinVar aggregate classification (germline): Uncertain significance. Review status: criteria provided, multiple submitters, no conflicts (2 of 4 stars). 2 submissions from 2 submitters: Uncertain significance (2). Last evaluated 2025-12-16.

Conditions:
MTOR-related disorder. Also called: MTOR-related condition.

Allele frequency attached by ClinVar (database versions not stated): gnomAD exomes below 0.00001 and 0.00001; ExAC 0.00001.
gnomAD v4.1: 9 of 1,613,944 alleles (0.00056%); highest among the groups gnomAD compares: Non-Finnish European, 0.00076%; no homozygotes.

Submissions (2):

Labcorp Genetics (formerly Invitae), Labcorp
Classification: Uncertain significance. Last evaluated: 2025-12-16. Review status: criteria provided, single submitter. Criteria: Invitae Variant Classification Sherloc (09022015). Collection method: clinical testing. Allele origin: germline.
Comment: This sequence change replaces aspartic acid, which is acidic and polar, with asparagine, which is neutral and polar, at codon 1140 of the MTOR protein (p.Asp1140Asn). This variant is not present in population databases (gnomAD no frequency). This variant has not been reported in the literature in individuals affected with MTOR-related conditions. ClinVar contains an entry for this variant (Variation ID: 1051102). Invitae Evidence Modeling of protein sequence and biophysical properties (such as structural, functional, and spatial information, amino acid conservation, physicochemical variation, residue mobility, and thermodynamic stability) indicates that this missense variant is not expected to disrupt MTOR protein function with a negative predictive value of 95%. In summary, the available evidence is currently insufficient to determine the role of this variant in disease. Therefore, it has been classified as a Variant of Uncertain Significance.

PreventionGenetics, part of Exact Sciences
Classification: Uncertain significance for MTOR-related condition. Last evaluated: 2023-01-10. Review status: criteria provided, single submitter. Criteria: ACMG Guidelines, 2015. Collection method: clinical testing. Allele origin: germline.
Comment: The MTOR c.3418G>A variant is predicted to result in the amino acid substitution p.Asp1140Asn. To our knowledge, this variant has not been reported in the literature. This variant is reported in 0.00088% of alleles in individuals of European (Non-Finnish) descent in gnomAD. At this time, the clinical significance of this variant is uncertain due to the absence of conclusive functional and genetic evidence.

NM_004958.4(MTOR):c.3418G>A (p.Asp1140Asn)

Gene: MTOR (mechanistic target of rapamycin kinase; minus strand). Cytogenetic location: 1p36.22.
Variant type: single nucleotide variant.
Coding change: c.3418G>A on transcript NM_004958.4 (MANE Select); coding-DNA position 3418, G replaced by A.
Protein change: p.Asp1140Asn; replaces aspartic acid 1140 with asparagine.
Molecular consequence: missense variant.
Genome position (GRCh38, 1-based): chr1:11,212,455, C>T on the plus strand (G>A on the coding strand, the complement: MTOR is on the minus strand). VCF-style: chr1-11212455-C-T. GRCh37 (hg19) VCF-style: chr1-11272512-C-T.
Other names: c.3418G>A (NM_004958.3); c.3418G>A, p.Asp1140Asn (NM_001386500.1); c.2170G>A, p.Asp724Asn (NM_001386501.1); short protein forms D1140N, D724N.
Identifiers: ClinVar variation 1051102 (VCV001051102.9), dbSNP rs777775951, ClinGen allele CA590225.